The following is an entry in ClinVar:

NM_005876.5(SPEG):c.2576G>A (p.Arg859His)

Gene: SPEG (striated muscle enriched protein kinase; plus strand). Cytogenetic location: 2q35.
Variant type: single nucleotide variant.
Coding change: c.2576G>A on transcript NM_005876.5 (MANE Select); coding-DNA position 2576, G replaced by A.
Protein change: p.Arg859His; replaces arginine 859 with histidine.
Molecular consequence: missense variant.
Genome position (GRCh38, 1-based): chr2:219,462,017, G>A. VCF-style: chr2-219462017-G-A. GRCh37 (hg19) VCF-style: chr2-220326739-G-A.
Other names: c.29G>A, p.Arg10His (NM_001173476.2); short protein forms R10H, R859H.
Identifiers: ClinVar variation 3625922 (VCV003625922.2).
Genomic context (GRCh38, chr2:219,462,017, plus strand): 5'-AGCCTGGGGAGACCTGGCCGCGAACCCCCACCATGAAGCCCAGTCCCAGCCAGAACCGCC[G>A]TTCTTCTGACACTGGCTCCAAGGCACCCCCCACCTTCAAGGTCAGACCCCTGAGGCTGGG-3'
Protein context (NP_005867.3, residues 849-869): TMKPSPSQNR[Arg859His]SSDTGSKAPP

ClinVar aggregate classification (germline): Uncertain significance (1 of 4 stars; one submission).

gnomAD v4.1: 12 of 1,611,854 alleles (0.00074%); highest among the groups gnomAD compares: South Asian, 0.0022%; no homozygotes.

Submission:

Labcorp Genetics (formerly Invitae), Labcorp
Classification: Uncertain significance. Last evaluated: 2024-08-22. Review status: criteria provided, single submitter. Criteria: Invitae Variant Classification Sherloc (09022015). Collection method: clinical testing. Allele origin: germline.
Comment: This sequence change replaces arginine, which is basic and polar, with histidine, which is basic and polar, at codon 859 of the SPEG protein (p.Arg859His). The frequency data for this variant in the population databases is considered unreliable, as metrics indicate poor data quality at this position in the gnomAD database. This variant has not been reported in the literature in individuals affected with SPEG-related conditions. An algorithm developed to predict the effect of missense changes on protein structure and function outputs the following: PolyPhen-2: "Benign". The histidine amino acid residue is found in multiple mammalian species, which suggests that this missense change does not adversely affect protein function. In summary, the available evidence is currently insufficient to determine the role of this variant in disease. Therefore, it has been classified as a Variant of Uncertain Significance.